The following is an entry in ClinVar:

NM_000352.6(ABCC8):c.2797dup (p.Arg933fs)

Gene: ABCC8 (ATP binding cassette subfamily C member 8; minus strand). Cytogenetic location: 11p15.1.
Variant type: Duplication.
Coding change: c.2797dup on transcript NM_000352.6 (MANE Select); coding-DNA position 2797, one base duplicated (C; older notation c.2797dupC).
Protein change: p.Arg933fs; shifts the reading frame from arginine 933.
Molecular consequence: frameshift variant. On other transcripts: non-coding transcript variant (1).
Genome position (GRCh38, 1-based): chr11:17,408,415, G duplicated on the plus strand (C on the coding strand, the reverse complement: ABCC8 is on the minus strand); the first of 2 consecutive G bases (chr11:17,408,415-17,408,416); duplicating either gives the same sequence. VCF-style (leftmost placement, unchanged base first): chr11-17408414-C-CG. GRCh37 (hg19) VCF-style: chr11-17429961-C-CG.
Other names: c.2800dup, p.Arg934fs (NM_001287174.3); c.2863dup, p.Arg955fs (NM_001351295.2); c.2797dup, p.Arg933fs (NM_001351296.2); c.2794dup, p.Arg932fs (NM_001351297.2); short protein forms R932fs, R933fs, R934fs, R955fs.
Identifiers: ClinVar variation 5011954 (VCV005011954.1).

ClinVar aggregate classification (germline): Pathogenic (1 of 4 stars; one submission).

Conditions:
Hyperinsulinemic hypoglycemia, familial, 1 (HHF1). Also called: HYPERINSULINISM, FAMILIAL, WITH PANCREATIC NESIDIOBLASTOSIS; HYPOGLYCEMIA, HYPERINSULINEMIC, OF INFANCY; NESIDIOBLASTOSIS OF PANCREAS; Persistent Hyperinsulinemia Hypoglycemia of Infancy; Persistent hyperinsulinemic hypoglycemia of infancy. Identifiers: Orphanet 276575, Orphanet 276598, MedGen C2931832, MONDO:0009734, OMIM 256450.

Submission:

Myriad Genetics, Inc.
Classification: Pathogenic for Hyperinsulinemic hypoglycemia, familial, 1. Last evaluated: 2023-09-27. Review status: criteria provided, single submitter. Criteria: Myriad Autosomal Dominant, Autosomal Recessive and X-Linked Classification Criteria (2023). Collection method: clinical testing. Allele origin: unknown.
Comment: NM_000352.3(ABCC8):c.2797dupC(R933Pfs*37) is expected to be pathogenic in the context of familial hyperinsulinism, ABCC8-related. This variant is predicted to lead to an abnormal or absent protein product due to the creation of a premature termination codon in ABCC8, a gene where loss-of-function variants are known to be pathogenic. Please note: this variant was assessed in the context of healthy population screening.